The following is an entry in ClinVar:

ClinVar aggregate classification (germline): Pathogenic/Likely pathogenic. Review status: criteria provided, multiple submitters, no conflicts (2 of 4 stars). 7 submissions from 7 submitters: Pathogenic (5); Likely pathogenic (2). Last evaluated 2025-07-20.

Conditions:
Hereditary cancer-predisposing syndrome. Also called: Tumor predisposition; Hereditary Cancer Syndrome; Hereditary neoplastic syndrome; Neoplastic Syndromes, Hereditary. Identifiers: Orphanet 140162, MedGen C0027672, MeSH D009386, MONDO:0015356.
Fanconi anemia complementation group C (FANCC). Also called: FANCONI PANCYTOPENIA, TYPE 3; FACC; FANCC-Related Fanconi Anemia; Fanconi anemia, group C. Identifiers: Orphanet 84, MedGen C3468041, MONDO:0009213, OMIM 227645.
Fanconi anemia (FA). Also called: Fanconi's anemia. Identifiers: Orphanet 84, MedGen C0015625, MeSH D005199, MONDO:0019391.

Submissions (7):

Natera, Inc.
Classification: Likely pathogenic for Fanconi anemia. Last evaluated: 2025-07-20. Review status: criteria provided, single submitter. Criteria: Natera Variant Classification Schema (03/2026). Collection method: clinical testing. Allele origin: germline.
Comment: The c.319C>T variant in FANCC is a nonsense variant predicted to introduce a stop codon at amino acid 107. This variant is expected to result in nonsense mediated decay, truncation, or a dysfunctional protein product. This variant is rare in the general population with a frequency below the threshold expected for the associated phenotype(s). Given the available evidence, this variant is classified as Likely Pathogenic.

Laboratory of Genetics, Children's Clinical University Hospital Latvia
Classification: Pathogenic. Last evaluated: 2025-02-16. Review status: criteria provided, single submitter. Criteria: ACMG Guidelines, 2015. Collection method: clinical testing. Allele origin: germline. Affected: yes.

Labcorp Genetics (formerly Invitae), Labcorp
Classification: Pathogenic for Fanconi anemia. Last evaluated: 2025-01-17. Review status: criteria provided, single submitter. Criteria: Invitae Variant Classification Sherloc (09022015). Collection method: clinical testing. Allele origin: germline.
Comment: This sequence change creates a premature translational stop signal (p.Gln107*) in the FANCC gene. It is expected to result in an absent or disrupted protein product. Loss-of-function variants in FANCC are known to be pathogenic (PMID: 17924555). This variant is not present in population databases (gnomAD no frequency). This premature translational stop signal has been observed in individual(s) with breast cancer (PMID: 26681312). ClinVar contains an entry for this variant (Variation ID: 182497). For these reasons, this variant has been classified as Pathogenic.

Baylor Genetics
Classification: Pathogenic for Fanconi anemia complementation group C. Last evaluated: 2024-02-12. Review status: criteria provided, single submitter. Criteria: ACMG Guidelines, 2015. Collection method: clinical testing. Allele origin: unknown.

Ambry Genetics
Classification: Pathogenic for Hereditary cancer-predisposing syndrome. Last evaluated: 2024-02-05. Review status: criteria provided, single submitter. Criteria: Ambry Variant Classification Scheme 2023. Collection method: clinical testing. Allele origin: germline.
Comment: The p.Q107* pathogenic mutation (also known as c.319C>T), located in coding exon 3 of the FANCC gene, results from a C to T substitution at nucleotide position 319. This changes the amino acid from a glutamine to a stop codon within coding exon 3. This variant is considered to be rare based on population cohorts in the Genome Aggregation Database (gnomAD). This alteration is expected to result in loss of function by premature protein truncation or nonsense-mediated mRNA decay. As such, this alteration is interpreted as a disease-causing mutation.

Women's Health and Genetics/Laboratory Corporation of America, LabCorp
Classification: Likely pathogenic for Fanconi anemia, complementation group C. Last evaluated: 2018-08-20. Review status: criteria provided, single submitter. Criteria: LabCorp Variant Classification Summary - May 2015. Collection method: clinical testing. Allele origin: germline.
Comment: Variant summary: FANCC c.319C>T (p.Gln107X) results in a premature termination codon, predicted to cause a truncation of the encoded protein or absence of the protein due to nonsense mediated decay, which are commonly known mechanisms for disease. Truncations downstream of this position have been classified as pathogenic by our laboratory (eg. c.553C>T (p.Arg185X) and c.1642C>T (p.Arg548X)). The variant was absent in 245972 control chromosomes (gnomAD). The variant, c.319C>T, has been reported in the literature in an individual affected with Breast Cancer (Susswein_2016). This report does not provide unequivocal conclusions about association of the variant with Fanconi Anemia Group C. To our knowledge, no experimental evidence demonstrating an impact on protein function has been reported. A ClinVar submission from a clinical diagnostic laboratory (evaluation after 2014) cites the variant as "pathogenic." Based on the evidence outlined above, the variant was classified as likely pathogenic.

GeneDx
Classification: Pathogenic. Last evaluated: 2014-09-10. Review status: criteria provided, single submitter. Criteria: GeneDx Variant Classification (06012015). Collection method: clinical testing. Allele origin: germline. Affected: yes.
Comment: This pathogenic variant is denoted FANCC c.319C>T at the cDNA level and p.Gln107Ter (Q107X) at the protein level. The substitution creates a nonsense variant, which changes a Glutamine to a premature stop codon (CAA>TAA), and is predicted to cause loss of normal protein function through either protein truncation or nonsense-mediated mRNA decay. Although this variant has not, to our knowledge, been reported in the literature, it is considered pathogenic.FANCC has been only recently described in association with cancer predisposition and the risks are not well understood. Based on available data, the presence of a FANCC mutation may confer an increased risk for female breast cancer (Thompson 2012, Berwick 2007). Berwick et al. (2007) identified 33 female FANCC mutation carriers; all grandmothers of known Fanconi Anemia patients. In this group of women the observed cases of breast cancer (n=6) was significantly higher than the expected cases of breast cancer (SIR = 2.4). Thompson et al. (2012) studied 438 BRCA-negative breast cancer families and identified 3 families with deleterious FANCC mutations. In two of these families, the identified truncating FANCC mutations were found in multiple affected family members. The authors conclude that the co-segregation of FANCC mutations in these families appears to be consistent with moderately penetrant breast cancer alleles. Fanconi Anemia (FA) is a rare autosomal recessive condition that can be caused by two mutations (one affecting each allele) in the FANCC gene. This condition is characterized by an increased risk for childhood malignancy including leukemia and solid tumors, as well as distinctive physical abnormalities and bone marrow failure. If a FANCC mutation carrier'spartner is also a carrier for a FANCC mutation, the risk to have a child with FA is 25% with each pregnancy.

Literature cited by the submitters: PubMed 17924555 (cited by Labcorp Genetics (formerly Invitae), Labcorp); PubMed 26681312 (cited by Labcorp Genetics (formerly Invitae), Labcorp and Women's Health and Genetics/Laboratory Corporation of America, LabCorp).

NM_000136.3(FANCC):c.319C>T (p.Gln107Ter)

Gene: FANCC (FA complementation group C; minus strand). Cytogenetic location: 9q22.32.
Variant type: single nucleotide variant.
Coding change: c.319C>T on transcript NM_000136.3 (MANE Select); coding-DNA position 319, C replaced by T.
Protein change: p.Gln107Ter; replaces glutamine 107 with a stop codon.
Molecular consequence: nonsense.
Genome position (GRCh38, 1-based): chr9:95,240,675, G>A on the plus strand (C>T on the coding strand, the complement: FANCC is on the minus strand). VCF-style: chr9-95240675-G-A. GRCh37 (hg19) VCF-style: chr9-98002957-G-A.
Other names: p.Q107*:CAA>TAA; c.319C>T, p.Gln107Ter (NM_001243743.2, NM_001243744.2); short protein forms Q107*.
Identifiers: ClinVar variation 182497 (VCV000182497.14), dbSNP rs730881731, ClinGen allele CA299218.
Genomic context (GRCh38, chr9:95,240,675, plus strand): 5'-TCAAAGAAGTGCAGAGCAAGATTTACTCTCTTACCTGTATCCAGGAGTTAAGTTTTGATT[G>A]TCCAGAATTCTGTGGTTCTTTGTTAATTAGACAACATAAGCACCATATTAGAATTTTTTG-3'